The following is an entry in ClinVar:

ClinVar aggregate classification (germline): Uncertain significance (1 of 4 stars; one submission).

Conditions:
Inborn genetic diseases. Identifiers: MedGen C0950123, MeSH D030342.

Submission:

Ambry Genetics
Classification: Uncertain significance for Inborn genetic diseases. Last evaluated: 2026-08-16. Review status: criteria provided, single submitter. Criteria: Ambry Variant Classification Scheme 2023. Collection method: clinical testing. Allele origin: germline.
Comment: The p.Q702L variant (also known as c.2105A>T), located in coding exon 16 of the BUB1B gene, results from an A to T substitution at nucleotide position 2105. The glutamine at codon 702 is replaced by leucine, an amino acid with dissimilar properties. This amino acid position is conserved. In addition, this alteration is predicted to be tolerated by in silico analysis. Based on the available evidence, the clinical significance of this variant remains unclear.

NM_001211.6(BUB1B):c.2105A>T (p.Gln702Leu)

Gene: BUB1B (BUB1 mitotic checkpoint serine/threonine kinase B; plus strand). Cytogenetic location: 15q15.1.
Variant type: single nucleotide variant.
Coding change: c.2105A>T on transcript NM_001211.6 (MANE Select); coding-DNA position 2105, A replaced by T.
Protein change: p.Gln702Leu; replaces glutamine 702 with leucine.
Molecular consequence: missense variant.
Genome position (GRCh38, 1-based): chr15:40,208,732, A>T. VCF-style: chr15-40208732-A-T. GRCh37 (hg19) VCF-style: chr15-40500933-A-T.
Other names: short protein forms Q702L.
Identifiers: ClinVar variation 5033536 (VCV005033536.1).
Genomic context (GRCh38, chr15:40,208,732, plus strand): 5'-CCTCTGGCTTCTCTGGTTCTTCTGCCTCGGTTGCAAGCACCTCCTCCATCAAATGTCTTC[A>T]AATTCCTGAGAAACTAGAACTTACTAATGAGACTTCAGGTAGGATATACATACCACTATA-3'
Protein context (NP_001202.5, residues 692-712): VASTSSIKCL[Gln702Leu]IPEKLELTNE